The following is an entry in ClinVar:

ClinVar aggregate classification (germline): Uncertain significance (1 of 4 stars; one submission).

Conditions:
Perlman syndrome (PRLMNS). Identifiers: Orphanet 2849, MedGen C0796113, MONDO:0009965, OMIM 267000.

Submission:

Labcorp Genetics (formerly Invitae), Labcorp
Classification: Uncertain significance for Perlman syndrome. Last evaluated: 2023-01-10. Review status: criteria provided, single submitter. Criteria: Invitae Variant Classification Sherloc (09022015). Collection method: clinical testing. Allele origin: germline.
Comment: In summary, the available evidence is currently insufficient to determine the role of this variant in disease. Therefore, it has been classified as a Variant of Uncertain Significance. Algorithms developed to predict the effect of missense changes on protein structure and function (SIFT, PolyPhen-2, Align-GVGD) all suggest that this variant is likely to be tolerated. ClinVar contains an entry for this variant (Variation ID: 463122). This variant has not been reported in the literature in individuals affected with DIS3L2-related conditions. This variant is not present in population databases (gnomAD no frequency). This sequence change replaces glycine, which is neutral and non-polar, with serine, which is neutral and polar, at codon 189 of the DIS3L2 protein (p.Gly189Ser).

NM_152383.5(DIS3L2):c.565G>A (p.Gly189Ser)

Gene: DIS3L2 (DIS3 like 3'-5' exoribonuclease 2; plus strand). Cytogenetic location: 2q37.1.
Variant type: single nucleotide variant.
Coding change: c.565G>A on transcript NM_152383.5 (MANE Select); coding-DNA position 565, G replaced by A.
Protein change: p.Gly189Ser; replaces glycine 189 with serine.
Molecular consequence: missense variant. On other transcripts: non-coding transcript variant (2).
Genome position (GRCh38, 1-based): chr2:232,087,685, G>A. VCF-style: chr2-232087685-G-A. GRCh37 (hg19) VCF-style: chr2-232952395-G-A.
Other names: c.565G>A, p.Gly189Ser (NM_001257281.2, NM_001257282.2); short protein forms G189S.
Identifiers: ClinVar variation 463122 (VCV000463122.8), dbSNP rs1553606137, ClinGen allele CA351155260.